The following is an entry in ClinVar:

NM_001079872.2(CUL4B):c.2051T>C (p.Val684Ala)

Gene: CUL4B (cullin 4B; minus strand). Cytogenetic location: Xq24.
Variant type: single nucleotide variant.
Coding change: c.2051T>C on transcript NM_001079872.2 (MANE Select); coding-DNA position 2051, T replaced by C.
Protein change: p.Val684Ala; replaces valine 684 with alanine.
Molecular consequence: missense variant.
Genome position (GRCh38, 1-based): chrX:120,535,939, A>G on the plus strand (T>C on the coding strand, the complement: CUL4B is on the minus strand). VCF-style: chrX-120535939-A-G. GRCh37 (hg19) VCF-style: chrX-119669794-A-G.
Other names: c.2066T>C, p.Val689Ala (NM_001330624.2); c.1517T>C, p.Val506Ala (NM_001369145.1); c.2105T>C, p.Val702Ala (NM_003588.4); short protein forms V506A, V684A, V689A, V702A.
Identifiers: ClinVar variation 3573684 (VCV003573684.1).

ClinVar aggregate classification (germline): Uncertain significance (1 of 4 stars; one submission).

Submission:

GeneDx
Classification: Uncertain significance. Last evaluated: 2024-07-18. Review status: criteria provided, single submitter. Criteria: GeneDx Variant Classification Process June 2021. Collection method: clinical testing. Allele origin: germline. Affected: yes.
Comment: Not observed at significant frequency in large population cohorts (gnomAD); In silico analysis indicates that this missense variant does not alter protein structure/function; Has not been previously published as pathogenic or benign to our knowledge